The following is an entry in ClinVar:

NM_015692.5(CPAMD8):c.4102G>T (p.Val1368Phe)

Gene: CPAMD8 (C3 and PZP like alpha-2-macroglobulin domain containing 8; minus strand). Cytogenetic location: 19p13.11.
Variant type: single nucleotide variant.
Coding change: c.4102G>T on transcript NM_015692.5 (MANE Select); coding-DNA position 4102, G replaced by T.
Protein change: p.Val1368Phe; replaces valine 1368 with phenylalanine.
Molecular consequence: missense variant.
Genome position (GRCh38, 1-based): chr19:16,904,478, C>A on the plus strand (G>T on the coding strand, the complement: CPAMD8 is on the minus strand). VCF-style: chr19-16904478-C-A. GRCh37 (hg19) VCF-style: chr19-17015288-C-A.
Other names: short protein forms V1368F.
Identifiers: ClinVar variation 2231356 (VCV002231356.4), dbSNP rs144658452, ClinGen allele CA9284722.

ClinVar aggregate classification (germline): Uncertain significance. Review status: criteria provided, single submitter (1 of 4 stars). 2 submissions from 2 submitters: Uncertain significance (1). 1 of the submissions does not count toward it. Last evaluated 2025-11-26.

Conditions:
Inborn genetic diseases. Identifiers: MedGen C0950123, MeSH D030342.
CPAMD8-related disorder. Also called: CPAMD8-related condition.

Allele frequency attached by ClinVar (database versions not stated): gnomAD 0.00033; 1000 Genomes Project 30x 0.00047; TOPMed 0.00046; ExAC 0.00017; 1000 Genomes Project 0.00060; ESP Exome Variant Server 0.00073.
gnomAD v4.1: 143 of 1,614,118 alleles (0.0089%); highest among the groups gnomAD compares: African/African-American, 0.16%; 1 homozygote.

Submissions (2):

Ambry Genetics
Classification: Uncertain significance for Inborn genetic diseases. Last evaluated: 2025-11-26. Review status: criteria provided, single submitter. Criteria: Ambry Variant Classification Scheme 2023. Collection method: clinical testing. Allele origin: germline.

PreventionGenetics, part of Exact Sciences
Classification: Likely benign for CPAMD8-related condition. Last evaluated: 2024-07-15. Review status: no assertion criteria provided. Collection method: clinical testing. Allele origin: germline. Not counted in ClinVar's aggregate classification.
Comment: This variant is classified as likely benign based on ACMG/AMP sequence variant interpretation guidelines (Richards et al. 2015 PMID: 25741868, with internal and published modifications).